The following is an entry in ClinVar:

NM_001999.4(FBN2):c.1365G>T (p.Gly455=)

Gene: FBN2 (fibrillin 2; minus strand). Cytogenetic location: 5q23.3.
Variant type: single nucleotide variant.
Coding change: c.1365G>T on transcript NM_001999.4 (MANE Select); coding-DNA position 1365, G replaced by T.
Protein change: p.Gly455=; no amino-acid change (glycine 455 retained).
Molecular consequence: synonymous variant.
Genome position (GRCh38, 1-based): chr5:128,393,235, C>A on the plus strand (G>T on the coding strand, the complement: FBN2 is on the minus strand). VCF-style: chr5-128393235-C-A. GRCh37 (hg19) VCF-style: chr5-127728928-C-A.
Identifiers: ClinVar variation 193637 (VCV000193637.16), dbSNP rs794726987, ClinGen allele CA239208.

ClinVar aggregate classification (germline): Conflicting classifications of pathogenicity. Review status: criteria provided, conflicting classifications (1 of 4 stars). 4 submissions from 4 submitters: Uncertain significance (3); Likely benign (1). Last evaluated 2025-08-29.

Conditions:
Familial thoracic aortic aneurysm and aortic dissection (TAAD). Also called: Thoracic aortic aneurysms and dissections. Identifiers: Orphanet 91387, MedGen C4707243, MONDO:0019625.
Congenital contractural arachnodactyly (CCA). Also called: BEALS SYNDROME; Beals-Hecht syndrome; Arthrogryposis, distal, type 9. Identifiers: Orphanet 115, MedGen C0220668, MONDO:0007363, OMIM 121050.

Allele frequency attached by ClinVar (database versions not stated): gnomAD 0.00002; gnomAD exomes 0.00002; TOPMed 0.00002.

Submissions (4):

Labcorp Genetics (formerly Invitae), Labcorp
Classification: Likely benign for Congenital contractural arachnodactyly. Last evaluated: 2025-08-29. Review status: criteria provided, single submitter. Criteria: Invitae Variant Classification Sherloc (09022015). Collection method: clinical testing. Allele origin: germline.

Ambry Genetics
Classification: Uncertain significance for Familial thoracic aortic aneurysm and aortic dissection. Last evaluated: 2024-06-27. Review status: criteria provided, single submitter. Criteria: Ambry Variant Classification Scheme 2023. Collection method: clinical testing. Allele origin: germline.
Comment: The c.1365G>T variant (also known as p.G455G), located in coding exon 10 of the FBN2 gene, results from a G to T substitution at nucleotide position 1365. This nucleotide substitution does not change the amino acid at codon 455. This nucleotide position is not well conserved in available vertebrate species. In silico splice site analysis predicts that this alteration will result in the creation or strengthening of a novel splice donor site. Based on the available evidence, the clinical significance of this variant remains unclear.

GeneDx
Classification: Uncertain significance. Last evaluated: 2022-10-28. Review status: criteria provided, single submitter. Criteria: GeneDx Variant Classification Process June 2021. Collection method: clinical testing. Allele origin: germline. Affected: yes.
Comment: Has not been previously published as pathogenic or benign to our knowledge; In silico analysis supports a deleterious effect on splicing

Eurofins Ntd Llc (ga)
Classification: Uncertain significance. Last evaluated: 2014-11-25. Review status: criteria provided, single submitter. Criteria: EGL Classification Definitions 2015. Collection method: clinical testing. Allele origin: germline. Observed: 1 variant allele, 1 heterozygote.